The following is an entry in ClinVar:

NM_005869.4(CWC27):c.1244A>T (p.Asp415Val)

Gene: CWC27 (CWC27 spliceosome associated cyclophilin; plus strand). Cytogenetic location: 5q12.3.
Variant type: single nucleotide variant.
Coding change: c.1244A>T on transcript NM_005869.4 (MANE Select); coding-DNA position 1244, A replaced by T.
Protein change: p.Asp415Val; replaces aspartic acid 415 with valine.
Molecular consequence: missense variant. On other transcripts: intron variant (1).
Genome position (GRCh38, 1-based): chr5:64,977,226, A>T. VCF-style: chr5-64977226-A-T. GRCh37 (hg19) VCF-style: chr5-64273053-A-T.
Other names: c.1152+5414A>T (NM_001297644.1); short protein forms D415V.
Identifiers: ClinVar variation 1926708 (VCV001926708.6), dbSNP rs750797592, ClinGen allele CA3282263.

ClinVar aggregate classification (germline): Uncertain significance. Review status: criteria provided, multiple submitters, no conflicts (2 of 4 stars). 2 submissions from 2 submitters: Uncertain significance (2). Last evaluated 2022-07-03.

Allele frequency attached by ClinVar (database versions not stated): gnomAD 0.00001; TOPMed 0.00002; ExAC 0.00007.
gnomAD v4.1: 18 of 1,606,102 alleles (0.0011%); highest among the groups gnomAD compares: East Asian, 0.04%; no homozygotes.

Submissions (2):

Labcorp Genetics (formerly Invitae), Labcorp
Classification: Uncertain significance. Last evaluated: 2022-07-03. Review status: criteria provided, single submitter. Criteria: Invitae Variant Classification Sherloc (09022015). Collection method: clinical testing. Allele origin: germline.
Comment: This variant is present in population databases (rs750797592, gnomAD 0.07%). In summary, the available evidence is currently insufficient to determine the role of this variant in disease. Therefore, it has been classified as a Variant of Uncertain Significance. Algorithms developed to predict the effect of missense changes on protein structure and function are either unavailable or do not agree on the potential impact of this missense change (SIFT: "Tolerated"; PolyPhen-2: "Possibly Damaging"; Align-GVGD: "Class C0"). This variant has not been reported in the literature in individuals affected with CWC27-related conditions. This sequence change replaces aspartic acid, which is acidic and polar, with valine, which is neutral and non-polar, at codon 415 of the CWC27 protein (p.Asp415Val).

Blueprint Genetics
Classification: Uncertain significance. Last evaluated: 2019-02-20. Review status: criteria provided, single submitter. Criteria: ACMG Guidelines, 2015. Collection method: clinical testing. Allele origin: germline.